The following is an entry in ClinVar:

NM_032776.3(JMJD1C):c.7533+3A>G

Gene: JMJD1C (jumonji domain containing 1C; minus strand). Cytogenetic location: 10q21.3.
Variant type: single nucleotide variant.
Coding change: c.7533+3A>G on transcript NM_032776.3 (MANE Select); 3 bases into the intron after coding-DNA position 7533, A replaced by G.
Molecular consequence: intron variant.
Genome position (GRCh38, 1-based): chr10:63,168,432, T>C on the plus strand (A>G on the coding strand, the complement: JMJD1C is on the minus strand). VCF-style: chr10-63168432-T-C. GRCh37 (hg19) VCF-style: chr10-64928192-T-C.
Other names: c.6876+3A>G (NM_001322258.2, NM_001322254.2); c.6987+3A>G (NM_001318154.2, NM_001282948.2); c.7419+3A>G (NM_001322252.2); c.6669+3A>G (NM_001318153.2).
Identifiers: ClinVar variation 3006378 (VCV003006378.3), dbSNP rs1589031822, ClinGen allele CA1914878142.
Genomic context (GRCh38, chr10:63,168,432, plus strand): 5'-CATGTATCATATTTCTGAATATAAAAAGCCTGAAGAACAGGACCTAGAACACCCAACTCT[T>C]ACCTGTAGTTTATCATCATAATTGATTTCTTCCTTCAAAAGTCTCAGTTCCTGTGTTAAA-3'

ClinVar aggregate classification (germline): Uncertain significance (1 of 4 stars; one submission).

Conditions:
Early Myoclonic Encephalopathy. Identifiers: MedGen C0270855.

gnomAD v4.1: 1 of 1,604,262 alleles (0.000062%); no homozygotes.

Submission:

Labcorp Genetics (formerly Invitae), Labcorp
Classification: Uncertain significance for Early Myoclonic Encephalopathy. Last evaluated: 2023-12-18. Review status: criteria provided, single submitter. Criteria: Invitae Variant Classification Sherloc (09022015). Collection method: clinical testing. Allele origin: germline.
Comment: This sequence change falls in intron 25 of the JMJD1C gene. It does not directly change the encoded amino acid sequence of the JMJD1C protein. It affects a nucleotide within the consensus splice site. This variant is not present in population databases (gnomAD no frequency). This variant has not been reported in the literature in individuals affected with JMJD1C-related conditions. Variants that disrupt the consensus splice site are a relatively common cause of aberrant splicing (PMID: 17576681, 9536098). Algorithms developed to predict the effect of sequence changes on RNA splicing suggest that this variant is not likely to affect RNA splicing. In summary, the available evidence is currently insufficient to determine the role of this variant in disease. Therefore, it has been classified as a Variant of Uncertain Significance.

Literature cited by the submitters: PubMed 17576681; PubMed 9536098.